The following is an entry in ClinVar:

NM_000051.4(ATM):c.4909+3G>A

Gene: ATM (ATM serine/threonine kinase; plus strand). Cytogenetic location: 11q22.3.
Variant type: single nucleotide variant.
Coding change: c.4909+3G>A on transcript NM_000051.4 (MANE Select); 3 bases into the intron after coding-DNA position 4909, G replaced by A.
Molecular consequence: intron variant.
Genome position (GRCh38, 1-based): chr11:108,295,062, G>A. VCF-style: chr11-108295062-G-A. GRCh37 (hg19) VCF-style: chr11-108165789-G-A.
Other names: c.4909+3G>A (NM_001351834.2).
Identifiers: ClinVar variation 478926 (VCV000478926.23), dbSNP rs778685122, ClinGen allele CA6265572.
Genomic context (GRCh38, chr11:108,295,062, plus strand): 5'-CGAAGACAACTGGAACTACATAAAGATCAGATGGTGGACATTATGAGAGCTTCTCAGGGT[G>A]CTAATTTTAAATGACATGGGCTATTTCTACCTGTTTCTTTTTGAAAGAATATTTTGCAAA-3'

ClinVar aggregate classification (germline): Conflicting classifications of pathogenicity. Review status: criteria provided, conflicting classifications (1 of 4 stars). 9 submissions from 9 submitters: Uncertain significance (4); Benign (1); Likely benign (3). 1 of the submissions does not count toward it. Last evaluated 2025-12-23.

Conditions:
Hereditary cancer-predisposing syndrome. Also called: Neoplastic Syndromes, Hereditary; Hereditary neoplastic syndrome; Tumor predisposition; Hereditary Cancer Syndrome. Identifiers: Orphanet 140162, MedGen C0027672, MeSH D009386, MONDO:0015356.
Ataxia-telangiectasia syndrome (AT). Also called: LOUIS-BAR SYNDROME; Cerebello-oculocutaneous telangiectasia; Immunodeficiency with ataxia telangiectasia; Ataxia-telangiectasia, complementation group D; AT, COMPLEMENTATION GROUP C; Ataxia telangiectasia (A-T). Identifiers: Orphanet 100, MedGen C0004135, MONDO:0008840, OMIM 208900.
Breast-ovarian cancer, familial, susceptibility to, 1 (BROVCA1). Also called: BRCA1 Hereditary Breast and Ovarian Cancer; OVARIAN CANCER, SUSCEPTIBILITY TO. Identifiers: Orphanet 145, MedGen C2676676, MONDO:0011450, OMIM 604370. Disease mechanism: loss of function.
Familial cancer of breast. Also called: hereditary breast carcinoma; BREAST CANCER, FAMILIAL; Hereditary breast cancer. Identifiers: Orphanet 227535, MedGen C0346153, MONDO:0016419, OMIM 114480. Disease mechanism: loss of function.

Allele frequency attached by ClinVar (database versions not stated): gnomAD 0.00001; ExAC 0.00002; gnomAD exomes 0.00002; TOPMed 0.00002.
gnomAD v4.1: 31 of 1,613,558 alleles (0.0019%); highest among the groups gnomAD compares: Non-Finnish European, 0.0026%; no homozygotes.

Submissions (9):

Labcorp Genetics (formerly Invitae), Labcorp
Classification: Likely benign for Ataxia-telangiectasia syndrome. Last evaluated: 2025-12-23. Review status: criteria provided, single submitter. Criteria: Invitae Variant Classification Sherloc (09022015). Collection method: clinical testing. Allele origin: germline.

Institute of Immunology and Genetics Kaiserslautern
Classification: Uncertain significance for Breast-ovarian cancer, familial, susceptibility to, 1. Last evaluated: 2024-07-17. Review status: criteria provided, single submitter. Criteria: ACMG Guidelines, 2015. Collection method: clinical testing. Allele origin: germline. Affected: yes.
Comment: ACMG Criteria: PM2_p, BP5; Variant was found in heterozygous state

Myriad Genetics, Inc.
Classification: Benign for Familial cancer of breast. Last evaluated: 2024-05-21. Review status: criteria provided, single submitter. Criteria: Myriad Autosomal Dominant, Autosomal Recessive and X-Linked Classification Criteria (2023). Collection method: clinical testing. Allele origin: unknown.
Comment: This variant is considered benign. This variant is intronic and is not expected to impact mRNA splicing. This variant is strongly associated with less severe personal and family histories of cancer, typical for individuals without pathogenic variants in this gene [PMID: 25085752].

Quest Diagnostics Nichols Institute San Juan Capistrano
Classification: Uncertain significance. Last evaluated: 2024-05-01. Review status: criteria provided, single submitter. Criteria: Quest Diagnostics criteria. Collection method: clinical testing. Allele origin: unknown.

GeneDx
Classification: Uncertain significance. Last evaluated: 2020-02-11. Review status: criteria provided, single submitter. Criteria: GeneDx Variant Classification Process June 2021. Collection method: clinical testing. Allele origin: germline. Affected: yes.
Comment: Not observed at a significant frequency in large population cohorts (Lek 2016); In-silico analysis is inconclusive as to whether the variant alters gene splicing. In the absence of RNA/functional studies, the actual effect of this sequence change is unknown.; Observed in individuals with a personal history of colorectal cancer in published literature (Yurgelun 2017); This variant is associated with the following publications: (PMID: 28135145)

Women's Health and Genetics/Laboratory Corporation of America, LabCorp
Classification: Uncertain significance. Last evaluated: 2019-11-11. Review status: criteria provided, single submitter. Criteria: LabCorp Variant Classification Summary - May 2015. Collection method: clinical testing. Allele origin: germline.
Comment: Variant summary: ATM c.4909+3G>A alters a conserved nucleotide located close to a canonical splice site and therefore could affect mRNA splicing, leading to a significantly altered protein sequence. One computational tool predicts that the variant strengthens a 5 donor site. However, this prediction have yet to be confirmed by functional studies. The variant allele was found at a frequency of 1.6e-05 in 251304 control chromosomes (gnomAD). The available data on variant occurrences in the general population are insufficient to allow any conclusion about variant significance. c.4909+3G>A has been reported in the literature in an individual affected with colorectal cancer (Yurgelun_2017). Four clinical diagnostic laboratories have submitted clinical-significance assessments for this variant to ClinVar after 2014 without evidence for independent evaluation, 3 classifying the variant as VUS, and 1 calling it as likely benign. Based on the evidence outlined above, the variant was classified as uncertain significance.

Ambry Genetics
Classification: Likely benign for Hereditary cancer-predisposing syndrome. Last evaluated: 2019-10-15. Review status: criteria provided, single submitter. Criteria: Ambry Variant Classification Scheme 2023. Collection method: clinical testing. Allele origin: germline.

Color Diagnostics, LLC DBA Color Health
Classification: Likely benign for Hereditary cancer-predisposing syndrome. Last evaluated: 2016-02-23. Review status: criteria provided, single submitter. Criteria: ACMG Guidelines, 2015. Collection method: clinical testing. Allele origin: germline.

Counsyl
Classification: Uncertain significance for Ataxia-telangiectasia syndrome. Last evaluated: 2018-05-14. Review status: no assertion criteria provided. Collection method: clinical testing. Allele origin: unknown. Not counted in ClinVar's aggregate classification.

Literature cited by the submitters: PubMed 25085752 (cited by Myriad Genetics, Inc.); PubMed 28135145 (cited by Quest Diagnostics Nichols Institute San Juan Capistrano and Women's Health and Genetics/Laboratory Corporation of America, LabCorp); PubMed 28779002 (cited by Quest Diagnostics Nichols Institute San Juan Capistrano).